The following is an entry in ClinVar:

ClinVar aggregate classification (germline): Uncertain significance. Review status: criteria provided, multiple submitters, no conflicts (2 of 4 stars). 2 submissions from 2 submitters: Uncertain significance (2). Last evaluated 2022-02-02.

Conditions:
Polycystic kidney disease, adult type (PKD1). Also called: Polycystic Kidney Disease 1, Autosomal Dominant; Polycystic kidney disease 1; Polycystic kidney disease 1, severe; Polycystic Kidney, Autosomal Dominant; POLYCYSTIC KIDNEY DISEASE 1 WITH OR WITHOUT POLYCYSTIC LIVER DISEASE; POLYCYSTIC KIDNEY DISEASE, ADULT, TYPE I. Identifiers: MedGen C3149841, MONDO:0008263, OMIM 173900.

Allele frequency attached by ClinVar (database versions not stated): gnomAD exomes 0.00001 and 0.00002; TOPMed 0.00002; gnomAD 0.00003.
gnomAD v4.1: 33 of 1,612,566 alleles (0.002%); highest among the groups gnomAD compares: African/African-American, 0.004%; no homozygotes.

Submissions (2):

Fulgent Genetics
Classification: Uncertain significance for Polycystic kidney disease, adult type. Last evaluated: 2022-02-02. Review status: criteria provided, single submitter. Criteria: ACMG Guidelines, 2015. Collection method: clinical testing. Allele origin: unknown.

Johns Hopkins Genomics, Johns Hopkins University
Classification: Uncertain significance for Polycystic kidney disease, adult type. Last evaluated: 2020-03-04. Review status: criteria provided, single submitter. Criteria: ACMG Guidelines, 2015. Collection method: clinical testing. Allele origin: germline.
Comment: This PKD1 variant (rs889547396) is rare (<0.1%) in a large population dataset (gnomAD: 3/245316 total alleles; 0.001223%; no homozygotes). Additionally, this variant has not been reported in ClinVar nor the literature, to our knowledge. Three bioinformatic tools queried predict that this substitution would be probably damaging, and the arginine residue at this position is evolutionarily conserved across all but one species assessed. Due to insufficient evidence, we consider the clinical significance of this variant to be uncertain at this time.

NM_001009944.3(PKD1):c.12355C>T (p.Arg4119Trp)

Gene: PKD1 (polycystin 1, transient receptor potential channel interacting; minus strand). Cytogenetic location: 16p13.3.
Variant type: single nucleotide variant.
Coding change: c.12355C>T on transcript NM_001009944.3 (MANE Select); coding-DNA position 12355, C replaced by T.
Protein change: p.Arg4119Trp; replaces arginine 4119 with tryptophan.
Molecular consequence: missense variant.
Genome position (GRCh38, 1-based): chr16:2,090,374, G>A on the plus strand (C>T on the coding strand, the complement: PKD1 is on the minus strand). VCF-style: chr16-2090374-G-A. GRCh37 (hg19) VCF-style: chr16-2140375-G-A.
Other names: c.12352C>T, p.Arg4118Trp (NM_000296.4); short protein forms R4118W, R4119W.
Identifiers: ClinVar variation 973854 (VCV000973854.2), dbSNP rs889547396, ClinGen allele CA276764031.
Genomic context (GRCh38, chr16:2,090,374, plus strand): 5'-GGCGCAGCCTGCGCAGGAACAACTCCACCATCTCGTAGTCCTGGGGCTCCCAGGCCGGCC[G>A]GTACAGCTCTCCACGCAAGGCGTGGTAGCGCCAGCGGAGAATAACAGCCCCCAGCCGTAG-3'
Protein context (NP_001009944.3, residues 4109-4129): RYHALRGELY[Arg4119Trp]PAWEPQDYEM